The following is an entry in ClinVar:

NM_001037.5(SCN1B):c.71T>A (p.Val24Glu)

Gene: SCN1B (sodium voltage-gated channel beta subunit 1; plus strand). Cytogenetic location: 19q13.11.
Variant type: single nucleotide variant.
Coding change: c.71T>A on transcript NM_001037.5 (MANE Select); coding-DNA position 71, T replaced by A.
Protein change: p.Val24Glu; replaces valine 24 with glutamic acid.
Molecular consequence: missense variant. On other transcripts: 5 prime UTR variant (1).
Genome position (GRCh38, 1-based): chr19:35,032,558, T>A. VCF-style: chr19-35032558-T-A. GRCh37 (hg19) VCF-style: chr19-35523462-T-A.
Other names: c.-29T>A (NM_001321605.2); c.71T>A, p.Val24Glu (NM_199037.5); short protein forms V24E.
Identifiers: ClinVar variation 2709790 (VCV002709790.3), dbSNP rs2514232917, ClinGen allele CA405327930.

ClinVar aggregate classification (germline): Uncertain significance (1 of 4 stars; one submission).

Conditions:
Brugada syndrome 5 (BRGDA5). Identifiers: Orphanet 130, Orphanet 871, MedGen C2748541, MONDO:0013015, OMIM 612838.

Submission:

Labcorp Genetics (formerly Invitae), Labcorp
Classification: Uncertain significance for Brugada syndrome 5. Last evaluated: 2024-01-17. Review status: criteria provided, single submitter. Criteria: Invitae Variant Classification Sherloc (09022015). Collection method: clinical testing. Allele origin: germline.
Comment: This sequence change replaces valine, which is neutral and non-polar, with glutamic acid, which is acidic and polar, at codon 24 of the SCN1B protein (p.Val24Glu). This variant is not present in population databases (gnomAD no frequency). This variant has not been reported in the literature in individuals affected with SCN1B-related conditions. An algorithm developed to predict the effect of missense changes on protein structure and function (PolyPhen-2) suggests that this variant is likely to be disruptive. In summary, the available evidence is currently insufficient to determine the role of this variant in disease. Therefore, it has been classified as a Variant of Uncertain Significance.